The following is an entry in ClinVar:

NM_015425.6(POLR1A):c.4855C>T (p.Arg1619Trp)

Gene: POLR1A (RNA polymerase I subunit A; minus strand). Cytogenetic location: 2p11.2.
Variant type: single nucleotide variant.
Coding change: c.4855C>T on transcript NM_015425.6 (MANE Select); coding-DNA position 4855, C replaced by T.
Protein change: p.Arg1619Trp; replaces arginine 1619 with tryptophan.
Molecular consequence: missense variant.
Genome position (GRCh38, 1-based): chr2:86,028,636, G>A on the plus strand (C>T on the coding strand, the complement: POLR1A is on the minus strand). VCF-style: chr2-86028636-G-A. GRCh37 (hg19) VCF-style: chr2-86255759-G-A.
Other names: short protein forms R1619W.
Identifiers: ClinVar variation 2475798 (VCV002475798.5), dbSNP rs1489364223, ClinGen allele CA347544665.

ClinVar aggregate classification (germline): Uncertain significance. Review status: criteria provided, multiple submitters, no conflicts (2 of 4 stars). 2 submissions from 2 submitters: Uncertain significance (2). Last evaluated 2025-01-13.

Conditions:
Inborn genetic diseases. Identifiers: MedGen C0950123, MeSH D030342.

Allele frequency attached by ClinVar (database versions not stated): gnomAD exomes 0.00001.
gnomAD v4.1: 8 of 1,614,060 alleles (0.0005%); highest among the groups gnomAD compares: African/African-American, 0.0027%; no homozygotes.

Submissions (2):

Labcorp Genetics (formerly Invitae), Labcorp
Classification: Uncertain significance. Last evaluated: 2025-01-13. Review status: criteria provided, single submitter. Criteria: Invitae Variant Classification Sherloc (09022015). Collection method: clinical testing. Allele origin: germline.
Comment: This sequence change replaces arginine, which is basic and polar, with tryptophan, which is neutral and slightly polar, at codon 1619 of the POLR1A protein (p.Arg1619Trp). This variant is present in population databases (no rsID available, gnomAD 0.003%). This variant has not been reported in the literature in individuals affected with POLR1A-related conditions. ClinVar contains an entry for this variant (Variation ID: 2475798). Invitae Evidence Modeling of protein sequence and biophysical properties (such as structural, functional, and spatial information, amino acid conservation, physicochemical variation, residue mobility, and thermodynamic stability) indicates that this missense variant is expected to disrupt POLR1A protein function with a positive predictive value of 80%. In summary, the available evidence is currently insufficient to determine the role of this variant in disease. Therefore, it has been classified as a Variant of Uncertain Significance.

Ambry Genetics
Classification: Uncertain significance for Inborn genetic diseases. Last evaluated: 2023-01-11. Review status: criteria provided, single submitter. Criteria: Ambry Variant Classification Scheme 2023. Collection method: clinical testing. Allele origin: germline.